The following is an entry in ClinVar:

ClinVar aggregate classification (germline): Uncertain significance (1 of 4 stars; one submission).

Conditions:
Hypertrophic cardiomyopathy. Also called: HYPERTROPHIC MYOCARDIOPATHY. Identifiers: Orphanet 217569, MedGen C0007194, MeSH D002312, MONDO:0005045, HP:0001639.

Submission:

Labcorp Genetics (formerly Invitae), Labcorp
Classification: Uncertain significance for Hypertrophic cardiomyopathy. Last evaluated: 2025-09-05. Review status: criteria provided, single submitter. Criteria: Invitae Variant Classification Sherloc (09022015). Collection method: clinical testing. Allele origin: germline.
Comment: This sequence change creates a premature translational stop signal (p.Ser19*) in the MYH7 gene. It is expected to result in an absent or disrupted protein product. However, the current clinical and genetic evidence is not sufficient to establish whether loss-of-function variants in MYH7 cause disease. This variant is not present in population databases (gnomAD no frequency). This variant has not been reported in the literature in individuals affected with MYH7-related conditions. In summary, the available evidence is currently insufficient to determine the role of this variant in disease. Therefore, it has been classified as a Variant of Uncertain Significance.

NM_000257.4(MYH7):c.56C>G (p.Ser19Ter)

Gene: MYH7 (myosin heavy chain 7; minus strand). Cytogenetic location: 14q11.2.
Variant type: single nucleotide variant.
Coding change: c.56C>G on transcript NM_000257.4 (MANE Select); coding-DNA position 56, C replaced by G.
Protein change: p.Ser19Ter; replaces serine 19 with a stop codon.
Molecular consequence: nonsense.
Genome position (GRCh38, 1-based): chr14:23,433,677, G>C on the plus strand (C>G on the coding strand, the complement: MYH7 is on the minus strand). VCF-style: chr14-23433677-G-C. GRCh37 (hg19) VCF-style: chr14-23902886-G-C.
Other names: c.56C>G, p.Ser19Ter (NM_001407004.1); short protein forms S19*.
Identifiers: ClinVar variation 4804082 (VCV004804082.1).
Genomic context (GRCh38, chr14:23,433,677, plus strand): 5'-ACGAAGACATCCTTCTTGAGGTCAAAAGGCCTGGTCTGCGCTTCTAGCCGCTCCTTCTCT[G>C]ACTTGCGCAGGTAGGGGGCGGCAGCCCCAAAGACTGCCATCTCCGAATCTCCCATGGCTG-3'